The following is an entry in ClinVar:

ClinVar aggregate classification (germline): Uncertain significance (1 of 4 stars; one submission).

Allele frequency attached by ClinVar (database versions not stated): gnomAD exomes 0.00002.
gnomAD v4.1: 14 of 1,613,190 alleles (0.00087%); highest among the groups gnomAD compares: Non-Finnish European, 0.0012%; no homozygotes.

Submission:

Labcorp Genetics (formerly Invitae), Labcorp
Classification: Uncertain significance. Last evaluated: 2022-08-31. Review status: criteria provided, single submitter. Criteria: Invitae Variant Classification Sherloc (09022015). Collection method: clinical testing. Allele origin: germline.
Comment: Algorithms developed to predict the effect of missense changes on protein structure and function (SIFT, PolyPhen-2, Align-GVGD) all suggest that this variant is likely to be disruptive. In summary, the available evidence is currently insufficient to determine the role of this variant in disease. Therefore, it has been classified as a Variant of Uncertain Significance. This variant has not been reported in the literature in individuals affected with TSPAN12-related conditions. This variant is not present in population databases (gnomAD no frequency). This sequence change replaces serine, which is neutral and polar, with phenylalanine, which is neutral and non-polar, at codon 25 of the TSPAN12 protein (p.Ser25Phe).

NM_012338.4(TSPAN12):c.74C>T (p.Ser25Phe)

Gene: TSPAN12 (tetraspanin 12; minus strand). Cytogenetic location: 7q31.31.
Variant type: single nucleotide variant.
Coding change: c.74C>T on transcript NM_012338.4 (MANE Select); coding-DNA position 74, C replaced by T.
Protein change: p.Ser25Phe; replaces serine 25 with phenylalanine.
Molecular consequence: missense variant.
Genome position (GRCh38, 1-based): chr7:120,840,102, G>A on the plus strand (C>T on the coding strand, the complement: TSPAN12 is on the minus strand). VCF-style: chr7-120840102-G-A. GRCh37 (hg19) VCF-style: chr7-120480156-G-A.
Other names: short protein forms S25F.
Identifiers: ClinVar variation 1943479 (VCV001943479.5), dbSNP rs2485423116, ClinGen allele CA369141630.
Genomic context (GRCh38, chr7:120,840,102, plus strand): 5'-AAAGTGAGAACATTATTTAGGTAGTCCCTCATCCAAGCAGAAACTGCCAACACACTGATG[G>A]ACATTAACTGGGGAGAAAAAAGTACAAACCGGTTACCAAAGATTTACGTAACATTCACTG-3'
Protein context (NP_036470.1, residues 15-35): YALNLLFWLM[Ser25Phe]ISVLAVSAWM